The following is an entry in ClinVar:

ClinVar aggregate classification (germline): Uncertain significance (1 of 4 stars; one submission).

Conditions:
Hereditary cancer-predisposing syndrome. Also called: Hereditary neoplastic syndrome; Hereditary Cancer Syndrome; Neoplastic Syndromes, Hereditary; Tumor predisposition. Identifiers: Orphanet 140162, MedGen C0027672, MeSH D009386, MONDO:0015356.

Submission:

Ambry Genetics
Classification: Uncertain significance for Hereditary cancer-predisposing syndrome. Last evaluated: 2023-05-14. Review status: criteria provided, single submitter. Criteria: Ambry Variant Classification Scheme 2023. Collection method: clinical testing. Allele origin: germline.
Comment: The p.L1527R variant (also known as c.4580T>G), located in coding exon 29 of the ATM gene, results from a T to G substitution at nucleotide position 4580. The leucine at codon 1527 is replaced by arginine, an amino acid with dissimilar properties. This amino acid position is conserved. In addition, this alteration is predicted to be deleterious by in silico analysis. Since supporting evidence is limited at this time, the clinical significance of this alteration remains unclear.

NM_000051.4(ATM):c.4580T>G (p.Leu1527Arg)

Gene: ATM (ATM serine/threonine kinase; plus strand). Cytogenetic location: 11q22.3.
Variant type: single nucleotide variant.
Coding change: c.4580T>G on transcript NM_000051.4 (MANE Select); coding-DNA position 4580, T replaced by G.
Protein change: p.Leu1527Arg; replaces leucine 1527 with arginine.
Molecular consequence: missense variant.
Genome position (GRCh38, 1-based): chr11:108,292,762, T>G. VCF-style: chr11-108292762-T-G. GRCh37 (hg19) VCF-style: chr11-108163489-T-G.
Other names: c.4580T>G, p.Leu1527Arg (NM_001351834.2); short protein forms L1527R.
Identifiers: ClinVar variation 2568222 (VCV002568222.2), dbSNP rs2135801932, ClinGen allele CA382533938.
Genomic context (GRCh38, chr11:108,292,762, plus strand): 5'-CTTACTGTAAGGATGCTCTAGAAAACCATCTTCATGTTATTGTTGGTACACTTATACCCC[T>G]TGTGTATGAGCAGGTGGAGGTTCAGAAACAGGTAATTTTCTGACTCATCTTCAAAATGGT-3'
Protein context (NP_000042.3, residues 1517-1537): LHVIVGTLIP[Leu1527Arg]VYEQVEVQKQ